The following is an entry in ClinVar:

NM_001035.3(RYR2):c.6689-12T>C

Gene: RYR2 (ryanodine receptor 2; plus strand). Cytogenetic location: 1q43.
Variant type: single nucleotide variant.
Coding change: c.6689-12T>C on transcript NM_001035.3 (MANE Select); 12 bases into the intron before coding-DNA position 6689, T replaced by C.
Molecular consequence: intron variant.
Genome position (GRCh38, 1-based): chr1:237,634,877, T>C. VCF-style: chr1-237634877-T-C. GRCh37 (hg19) VCF-style: chr1-237798177-T-C.
Identifiers: ClinVar variation 165104 (VCV000165104.48), dbSNP rs370972311, ClinGen allele CA010256.

ClinVar aggregate classification (germline): Conflicting classifications of pathogenicity. Review status: criteria provided, conflicting classifications (1 of 4 stars). 9 submissions from 8 submitters: Uncertain significance (1); Benign (3); Likely benign (5). Last evaluated 2026-02-04.

Conditions:
Cardiomyopathy (CMYO). Also called: Cardiomyopathies. Identifiers: Orphanet 167848, MedGen C0878544, MONDO:0004994, HP:0001638. Inheritance: Various modes of inheritance.
Catecholaminergic polymorphic ventricular tachycardia 1. Also called: RYR2-Related Catecholaminergic Polymorphic Ventricular Tachycardia; VENTRICULAR TACHYCARDIA, CATECHOLAMINERGIC POLYMORPHIC, 1, WITH OR WITHOUT ATRIAL DYSFUNCTION AND/OR DILATED CARDIOMYOPATHY; VENTRICULAR TACHYCARDIA, STRESS-INDUCED POLYMORPHIC 1. Identifiers: Orphanet 3286, MedGen C1631597, MONDO:0011484, OMIM 604772.
Arrhythmogenic right ventricular dysplasia 2. Identifiers: MedGen C1832931.

Allele frequency attached by ClinVar (database versions not stated): ESP Exome Variant Server 0.00025; gnomAD 0.00025; gnomAD exomes 0.00026 and 0.00030; TOPMed 0.00026; ExAC 0.00068.
gnomAD v4.1: 431 of 1,589,816 alleles (0.027%); highest among the groups gnomAD compares: Middle Eastern, 1.1%; 1 homozygote.

Submissions (9):

Labcorp Genetics (formerly Invitae), Labcorp
Classification: Benign for Catecholaminergic polymorphic ventricular tachycardia 1. Last evaluated: 2026-02-04. Review status: criteria provided, single submitter. Criteria: Invitae Variant Classification Sherloc (09022015). Collection method: clinical testing. Allele origin: germline.

CeGaT Center for Human Genetics Tuebingen
Classification: Likely benign. Last evaluated: 2025-05-01. Review status: criteria provided, single submitter. Criteria: CeGaT Center For Human Genetics Tuebingen Variant Classification Criteria Version 2. Collection method: clinical testing. Allele origin: germline. Affected: yes. Observed: 5 variant alleles.
Comment: RYR2: BS1

Blueprint Genetics
Classification: Likely benign. Last evaluated: 2024-11-21. Review status: criteria provided, single submitter. Criteria: ACMG Guidelines, 2015. Collection method: clinical testing. Allele origin: germline.

Women's Health and Genetics/Laboratory Corporation of America, LabCorp
Classification: Benign. Last evaluated: 2019-10-29. Review status: criteria provided, single submitter. Criteria: LabCorp Variant Classification Summary - May 2015. Collection method: clinical testing. Allele origin: germline.
Comment: Variant summary: RYR2 c.6689-12T>C alters a nucleotide located close to a canonical splice site and therefore could affect mRNA splicing, leading to a significantly altered protein sequence. 5/5 computational tools predict no significant impact on normal splicing. However, these predictions have yet to be confirmed by functional studies. The variant allele was found at a frequency of 0.0003 in 220092 control chromosomes, predominantly at a frequency of 0.00042 within the Non-Finnish European subpopulation in the gnomAD database, including 1 homozygotes. The observed variant frequency within Non-Finnish European control individuals in the gnomAD database is approximately 7 fold of the estimated maximal expected allele frequency for a pathogenic variant in RYR2 causing Arrhythmia phenotype (6e-05), strongly suggesting that the variant is a benign polymorphism found primarily in populations of Non-Finnish European origin. To our knowledge, no occurrence of c.6689-12T>C in individuals affected with Arrhythmia and no experimental evidence demonstrating its impact on protein function have been reported. Three ClinVar submissions (evaluation after 2014) cite the variant twice as likely benign and once as uncertain significance. Based on the evidence outlined above, the variant was classified as benign.

Color Diagnostics, LLC DBA Color Health
Classification: Likely benign for Cardiomyopathy. Last evaluated: 2018-10-16. Review status: criteria provided, single submitter. Criteria: ACMG Guidelines, 2015. Collection method: clinical testing. Allele origin: germline.

Illumina Laboratory Services, Illumina
Classification: Uncertain significance for Catecholaminergic polymorphic ventricular tachycardia 1. Last evaluated: 2018-01-12. Review status: criteria provided, single submitter. Criteria: ICSL Variant Classification Criteria 13 December 2019. Collection method: clinical testing. Allele origin: germline.

Illumina Laboratory Services, Illumina
Classification: Likely benign for Catecholaminergic polymorphic ventricular tachycardia 1. Last evaluated: 2018-01-12. Review status: criteria provided, single submitter. Criteria: ICSL Variant Classification Criteria 13 December 2019. Collection method: clinical testing. Allele origin: germline.
Comment: This variant was observed in the ICSL laboratory as part of a predisposition screen in an ostensibly healthy population. It had not been previously curated by ICSL or reported in the Human Gene Mutation Database (HGMD: prior to June 1st, 2018), and was therefore a candidate for classification through an automated scoring system. Utilizing variant allele frequency, disease prevalence and penetrance estimates, and inheritance mode, an automated score was calculated to assess if this variant is too frequent to cause the disease. Based on the score and internal cut-off values, a variant classified as likely benign is not then subjected to further curation. The score for this variant resulted in a classification of likely benign for this disease.

Laboratory for Molecular Medicine, Mass General Brigham Personalized Medicine
Classification: Likely benign. Last evaluated: 2015-04-09. Review status: criteria provided, single submitter. Criteria: LMM Criteria. Collection method: clinical testing. Allele origin: germline. Observed: 6 variant alleles.
Comment: c.6689-12T>C in intron 43 of RYR2: This variant is not expected to have clinical significance because a T>C change at this position does not diverge from the sp lice consensus sequence and is therefore unlikely to impact splicing. It has bee n identified in 0.1% (22/21894) of European chromosomes by the Exome Aggregatio n Consortium (ExAC; dbSNP rs370972311).

GeneDx
Classification: Benign. Last evaluated: 2014-08-28. Review status: criteria provided, single submitter. Criteria: GeneDx Variant Classification (06012015). Collection method: clinical testing. Allele origin: germline. Affected: yes.
Comment: This variant is considered likely benign or benign based on one or more of the following criteria: it is a conservative change, it occurs at a poorly conserved position in the protein, it is predicted to be benign by multiple in silico algorithms, and/or has population frequency not consistent with disease.